The following is an entry in ClinVar:

NM_018194.6(HHAT):c.335C>T (p.Pro112Leu)

Gene: HHAT (hedgehog acyltransferase; plus strand). Cytogenetic location: 1q32.2.
Variant type: single nucleotide variant.
Coding change: c.335C>T on transcript NM_018194.6 (MANE Select); coding-DNA position 335, C replaced by T.
Protein change: p.Pro112Leu; replaces proline 112 with leucine.
Molecular consequence: missense variant. On other transcripts: intron variant (2).
Genome position (GRCh38, 1-based): chr1:210,400,529, C>T. VCF-style: chr1-210400529-C-T. GRCh37 (hg19) VCF-style: chr1-210573873-C-T.
Other names: c.335C>T, p.Pro112Leu (NM_001122834.4, NM_001170580.3); c.338C>T, p.Pro113Leu (NM_001170587.3); c.273+12948C>T (NM_001170564.3); c.274-3935C>T (NM_001170588.3); short protein forms P112L, P113L.
Identifiers: ClinVar variation 1348850 (VCV001348850.8), dbSNP rs145455128, ClinGen allele CA1379101.

ClinVar aggregate classification (germline): Uncertain significance (1 of 4 stars; one submission).

Allele frequency attached by ClinVar (database versions not stated): ExAC 0.00012; gnomAD 0.00014; gnomAD exomes 0.00015 and 0.00023; TOPMed 0.00018; ESP Exome Variant Server 0.00046.
gnomAD v4.1: 345 of 1,613,966 alleles (0.021%); highest among the groups gnomAD compares: Non-Finnish European, 0.028%; no homozygotes.

Submission:

Labcorp Genetics (formerly Invitae), Labcorp
Classification: Uncertain significance. Last evaluated: 2021-06-16. Review status: criteria provided, single submitter. Criteria: Invitae Variant Classification Sherloc (09022015). Collection method: clinical testing. Allele origin: germline.
Comment: This sequence change replaces proline with leucine at codon 112 of the HHAT protein (p.Pro112Leu). The proline residue is weakly conserved and there is a moderate physicochemical difference between proline and leucine. In summary, the available evidence is currently insufficient to determine the role of this variant in disease. Therefore, it has been classified as a Variant of Uncertain Significance. Algorithms developed to predict the effect of missense changes on protein structure and function (SIFT, PolyPhen-2, Align-GVGD) all suggest that this variant is likely to be tolerated, but these predictions have not been confirmed by published functional studies and their clinical significance is uncertain. This variant has not been reported in the literature in individuals with HHAT-related conditions. This variant is present in population databases (rs145455128, ExAC 0.02%).